The following is an entry in ClinVar:

ClinVar aggregate classification (germline): Benign/Likely benign. Review status: criteria provided, multiple submitters, no conflicts (2 of 4 stars). 3 submissions from 3 submitters: Benign (1); Likely benign (2). Last evaluated 2024-07-01.

Conditions:
Hereditary cancer-predisposing syndrome. Also called: Hereditary Cancer Syndrome; Neoplastic Syndromes, Hereditary; Hereditary neoplastic syndrome; Tumor predisposition. Identifiers: Orphanet 140162, MedGen C0027672, MeSH D009386, MONDO:0015356.
Oligodontia-cancer predisposition syndrome. Also called: TOOTH AGENESIS-COLORECTAL CANCER SYNDROME. Identifiers: Orphanet 300576, MedGen C1837750, MONDO:0012075, OMIM 608615. Disease mechanism: loss of function.

Submissions (3):

Myriad Genetics, Inc.
Classification: Benign for Oligodontia-cancer predisposition syndrome. Last evaluated: 2024-07-01. Review status: criteria provided, single submitter. Criteria: Myriad Autosomal Dominant, Autosomal Recessive and X-Linked Classification Criteria (2023). Collection method: clinical testing. Allele origin: unknown.
Comment: This variant is considered benign. This variant is a silent/synonymous amino acid change and it is not expected to impact splicing.

Labcorp Genetics (formerly Invitae), Labcorp
Classification: Likely benign for Oligodontia-cancer predisposition syndrome. Last evaluated: 2022-10-14. Review status: criteria provided, single submitter. Criteria: Invitae Variant Classification Sherloc (09022015). Collection method: clinical testing. Allele origin: germline.

Ambry Genetics
Classification: Likely benign for Hereditary cancer-predisposing syndrome. Last evaluated: 2021-12-21. Review status: criteria provided, single submitter. Criteria: Ambry Variant Classification Scheme 2023. Collection method: clinical testing. Allele origin: germline.

NM_004655.4(AXIN2):c.1089C>T (p.Thr363=)

Gene: AXIN2 (axin 2; minus strand). Cytogenetic location: 17q24.1.
Variant type: single nucleotide variant.
Coding change: c.1089C>T on transcript NM_004655.4 (MANE Select); coding-DNA position 1089, C replaced by T.
Protein change: p.Thr363=; no amino-acid change (threonine 363 retained).
Molecular consequence: synonymous variant.
Genome position (GRCh38, 1-based): chr17:65,538,314, G>A on the plus strand (C>T on the coding strand, the complement: AXIN2 is on the minus strand). VCF-style: chr17-65538314-G-A. GRCh37 (hg19) VCF-style: chr17-63534432-G-A.
Other names: c.1089C>T, p.Thr363= (NM_001363813.1).
Identifiers: ClinVar variation 1622385 (VCV001622385.12), dbSNP rs748698260, ClinGen allele CA501476388.